The following is an entry in ClinVar:

ClinVar aggregate classification (germline): Likely pathogenic (1 of 4 stars; one submission).

Conditions:
Autosomal recessive limb-girdle muscular dystrophy type 2J (LGMDR10). Also called: Limb-girdle muscular dystrophy, type 2J; MUSCULAR DYSTROPHY, LIMB-GIRDLE, AUTOSOMAL RECESSIVE 10. Identifiers: Orphanet 140922, MedGen C1837342, MONDO:0012127, OMIM 608807.
Dilated cardiomyopathy 1G (CMD1G). Identifiers: Orphanet 154, MedGen C1858763, MONDO:0011400, OMIM 604145.

Allele frequency attached by ClinVar (database versions not stated): gnomAD exomes below 0.00001.
gnomAD v4.1: 2 of 1,613,316 alleles (0.00012%); highest among the groups gnomAD compares: Non-Finnish European, 0.00017%; no homozygotes.

Submission:

Labcorp Genetics (formerly Invitae), Labcorp
Classification: Likely pathogenic for Dilated cardiomyopathy 1G; Autosomal recessive limb-girdle muscular dystrophy type 2J. Last evaluated: 2020-10-01. Review status: criteria provided, single submitter. Criteria: Invitae Variant Classification Sherloc (09022015). Collection method: clinical testing. Allele origin: germline.
Comment: This variant has not been reported in the literature in individuals with TTN-related disease. ClinVar contains an entry for this variant (Variation ID: 535021). This sequence change results in a premature translational stop signal in the TTN gene (p.Tyr26025*). While this is not anticipated to result in nonsense mediated decay, it is expected to create a truncated TTN protein. This variant is not present in population databases (ExAC no frequency). This variant is located in the A band of TTN (PMID: 25589632). Truncating variants in this region are significantly overrepresented in patients affected with dilated cardiomyopathy (PMID: 25589632). Truncating variants in this region have also been reported in individuals affected with autosomal recessive centronuclear myopathy (PMID: 23975875). In summary, the currently available evidence indicates that the variant is pathogenic, but additional data are needed to prove that conclusively. Therefore, this variant has been classified as Likely Pathogenic.

Literature cited by the submitters: PubMed 25589632; PubMed 23975875.

NM_001267550.2(TTN):c.78075C>A (p.Tyr26025Ter)

Genes: TTN-AS1 (TTN antisense RNA 1; plus strand), TTN (titin; minus strand). Cytogenetic location: 2q31.2.
Variant type: single nucleotide variant.
Coding change: c.78075C>A on transcript NM_001267550.2 (MANE Select); coding-DNA position 78075, C replaced by A.
Protein change: p.Tyr26025Ter; replaces tyrosine 26025 with a stop codon.
Molecular consequence: nonsense.
Genome position (GRCh38, 1-based): chr2:178,568,057, G>T on the plus strand (C>A on the coding strand, the complement: TTN is on the minus strand). VCF-style: chr2-178568057-G-T. GRCh37 (hg19) VCF-style: chr2-179432784-G-T.
Other names: c.73152C>A, p.Tyr24384Ter (NM_001256850.1); c.50880C>A, p.Tyr16960Ter (NM_003319.4); c.70371C>A, p.Tyr23457Ter (NM_133378.4); c.51255C>A, p.Tyr17085Ter (NM_133432.3); c.51456C>A, p.Tyr17152Ter (NM_133437.4); short protein forms Y26025*, Y17085*, Y23457*, Y17152*, Y16960*, Y24384*.
Identifiers: ClinVar variation 535021 (VCV000535021.12), dbSNP rs1553597198, ClinGen allele CA349603821.
Genomic context (GRCh38, chr2:178,568,057, plus strand): 5'-AATAATAGTTTTGTTGACCTTTGTCCACAAAATACTGTTTCTTTCTTTTCTCTCCAGGTG[G>T]TAACCTATGACGGGGCTTCCACCATTGTTGACTGGTTCATGCCACTGTATGACCATGGAG-3'